The following is an entry in ClinVar:

ClinVar aggregate classification (germline): Pathogenic (1 of 4 stars; one submission).

Submission:

ISCA site 15
Classification: Pathogenic. Last evaluated: 2011-08-12. Review status: criteria provided, single submitter. Criteria: Kaminsky et al. (Genet Med. 2011). Collection method: clinical testing. Allele origin: de novo. Affected: yes. Observed: 1 variant allele.
Comment: Copy number variation identified through the course of routine clinical cytogenomic testing in postnatal populations. Clinical assertions have been curated as described in Kaminsky et al. 2011.

GRCh37/hg19 17q12(chr17:34851537-36173763)x1

Genes: AATF (apoptosis antagonizing transcription factor; plus strand), ACACA (acetyl-CoA carboxylase alpha; minus strand), C17orf78 (chromosome 17 open reading frame 78; plus strand), DDX52 (DExD-box helicase 52; minus strand), DHRS11 (dehydrogenase/reductase 11; plus strand) and 25 more. Cytogenetic location: 17q12.
Variant type: copy number loss.
Change: copy number 1 (one copy instead of two) of chr17:34,851,537-36,173,763 (1.32 Mb, GRCh37 coordinates, 1-based), cytogenetic band 17q12.
Identifiers: ClinVar variation 60474 (VCV000060474.1).